The following is an entry in ClinVar:

NM_182493.3(MYLK3):c.1821C>A (p.His607Gln)

Gene: MYLK3 (myosin light chain kinase 3; minus strand). Cytogenetic location: 16q11.2.
Variant type: single nucleotide variant.
Coding change: c.1821C>A on transcript NM_182493.3 (MANE Select); coding-DNA position 1821, C replaced by A.
Protein change: p.His607Gln; replaces histidine 607 with glutamine.
Molecular consequence: missense variant.
Genome position (GRCh38, 1-based): chr16:46,727,329, G>T on the plus strand (C>A on the coding strand, the complement: MYLK3 is on the minus strand). VCF-style: chr16-46727329-G-T. GRCh37 (hg19) VCF-style: chr16-46761241-G-T.
Other names: c.798C>A, p.His266Gln (NM_001308301.1); short protein forms H266Q, H607Q.
Identifiers: ClinVar variation 2360378 (VCV002360378.3), dbSNP rs1412745879, ClinGen allele CA395789926.

ClinVar aggregate classification (germline): Uncertain significance. Review status: criteria provided, multiple submitters, no conflicts (2 of 4 stars). 2 submissions from 2 submitters: Uncertain significance (2). Last evaluated 2025-08-30.

Allele frequency attached by ClinVar (database versions not stated): TOPMed below 0.00001.
gnomAD v4.1: 17 of 1,613,942 alleles (0.0011%); highest among the groups gnomAD compares: Non-Finnish European, 0.0014%; no homozygotes.

Submissions (2):

Labcorp Genetics (formerly Invitae), Labcorp
Classification: Uncertain significance. Last evaluated: 2025-08-30. Review status: criteria provided, single submitter. Criteria: Invitae Variant Classification Sherloc (09022015). Collection method: clinical testing. Allele origin: germline.
Comment: This sequence change replaces histidine, which is basic and polar, with glutamine, which is neutral and polar, at codon 607 of the MYLK3 protein (p.His607Gln). This variant is not present in population databases (gnomAD no frequency). This variant has not been reported in the literature in individuals affected with MYLK3-related conditions. ClinVar contains an entry for this variant (Variation ID: 2360378). An algorithm developed to predict the effect of missense changes on protein structure and function outputs the following: PolyPhen-2: "Benign". The glutamine amino acid residue is found in multiple mammalian species, which suggests that this missense change does not adversely affect protein function. In summary, the available evidence is currently insufficient to determine the role of this variant in disease. Therefore, it has been classified as a Variant of Uncertain Significance.

Ambry Genetics
Classification: Uncertain significance. Last evaluated: 2022-04-25. Review status: criteria provided, single submitter. Criteria: Ambry Variant Classification Scheme 2023. Collection method: clinical testing. Allele origin: germline.